The following is an entry in ClinVar:

ClinVar aggregate classification (germline): Pathogenic (1 of 4 stars; one submission).

Conditions:
Primary ciliary dyskinesia. Also called: Ciliary dyskinesia. Identifiers: Orphanet 244, MedGen C0008780, MONDO:0016575, HP:0012265.

Submission:

Labcorp Genetics (formerly Invitae), Labcorp
Classification: Pathogenic for Primary ciliary dyskinesia. Last evaluated: 2023-10-20. Review status: criteria provided, single submitter. Criteria: Invitae Variant Classification Sherloc (09022015). Collection method: clinical testing. Allele origin: germline.
Comment: This sequence change creates a premature translational stop signal (p.Gly95Aspfs*3) in the CCDC39 gene. It is expected to result in an absent or disrupted protein product. Loss-of-function variants in CCDC39 are known to be pathogenic (PMID: 21131972, 23255504). This variant is not present in population databases (gnomAD no frequency). This variant has not been reported in the literature in individuals affected with CCDC39-related conditions. For these reasons, this variant has been classified as Pathogenic.

Literature cited by the submitters: PubMed 21131972; PubMed 23255504.

NM_181426.2(CCDC39):c.284del (p.Gly95fs)

Gene: CCDC39 (coiled-coil domain 39 molecular ruler complex subunit; minus strand). Cytogenetic location: 3q26.33.
Variant type: Deletion.
Coding change: c.284del on transcript NM_181426.2 (MANE Select); coding-DNA position 284, one base deleted (G; older notation c.284delG).
Protein change: p.Gly95fs; shifts the reading frame from glycine 95.
Molecular consequence: frameshift variant.
Genome position (GRCh38, 1-based): chr3:180,661,934, C deleted on the plus strand (G on the coding strand, the reverse complement: CCDC39 is on the minus strand); the first of 3 consecutive C bases (chr3:180,661,934-180,661,936); deleting any one gives the same sequence. VCF-style (leftmost placement, unchanged base first): chr3-180661933-TC-T. GRCh37 (hg19) VCF-style: chr3-180379721-TC-T.
Other names: short protein forms G95fs.
Identifiers: ClinVar variation 2770317 (VCV002770317.3), dbSNP rs2473826249, ClinGen allele CA2668664797.